The following is an entry in ClinVar:

NM_001039213.4(CEACAM16):c.519C>T (p.Val173=)

Genes: CEACAM16 (CEA cell adhesion molecule 16, tectorial membrane component; plus strand), CEACAM16-AS1 (CEACAM16, CEACAM19 and PVR antisense RNA 1; minus strand). Cytogenetic location: 19q13.32.
Variant type: single nucleotide variant.
Coding change: c.519C>T on transcript NM_001039213.4 (MANE Select); coding-DNA position 519, C replaced by T.
Protein change: p.Val173=; no amino-acid change (valine 173 retained).
Molecular consequence: synonymous variant.
Genome position (GRCh38, 1-based): chr19:44,704,154, C>T. VCF-style: chr19-44704154-C-T. GRCh37 (hg19) VCF-style: chr19-45207424-C-T.
Identifiers: ClinVar variation 227241 (VCV000227241.17), dbSNP rs114645388, ClinGen allele CA9503083.
Genomic context (GRCh38, chr19:44,704,154, plus strand): 5'-CAGCAGCCCCAGCCCCACCGCCGAGGTCCGCTGGTTCTTCAACGGTGGGGCCCTGCCCGT[C>T]GCTCTCCGCCTGGGCCTGTCCCCTGACGGCCGGGTGCTGGCCAGGCATGGCATCCGCCGG-3'
Protein context (NP_001034302.2, residues 163-183): RWFFNGGALP[Val173=]ALRLGLSPDG

ClinVar aggregate classification (germline): Benign/Likely benign. Review status: criteria provided, multiple submitters, no conflicts (2 of 4 stars). 4 submissions from 4 submitters: Benign (1); Likely benign (2). 1 of the submissions does not count toward it. Last evaluated 2025-05-15.

Conditions:
CEACAM16-related disorder. Also called: CEACAM16-related condition.

Allele frequency attached by ClinVar (database versions not stated): gnomAD exomes 0.00007 and 0.00014; ExAC 0.00028; 1000 Genomes Project 0.00060; 1000 Genomes Project 30x 0.00078; gnomAD 0.00080 and 0.00086; ESP Exome Variant Server 0.00083; TOPMed 0.00095.
gnomAD v4.1: 227 of 1,589,278 alleles (0.014%); highest among the groups gnomAD compares: African/African-American, 0.27%; no homozygotes.

Submissions (4):

Labcorp Genetics (formerly Invitae), Labcorp
Classification: Benign. Last evaluated: 2025-05-15. Review status: criteria provided, single submitter. Criteria: Invitae Variant Classification Sherloc (09022015). Collection method: clinical testing. Allele origin: germline.

GeneDx
Classification: Likely benign. Last evaluated: 2020-12-01. Review status: criteria provided, single submitter. Criteria: GeneDx Variant Classification Process June 2021. Collection method: clinical testing. Allele origin: germline. Affected: yes.

Laboratory for Molecular Medicine, Mass General Brigham Personalized Medicine
Classification: Likely benign. Last evaluated: 2017-05-18. Review status: criteria provided, single submitter. Criteria: LMM Criteria. Collection method: clinical testing. Allele origin: germline. Observed: 2 variant alleles.
Comment: p.Val173Val in exon 4 of CEACAM16: This variant is not expected to have clinical significance because it does not alter an amino acid residue and is not located within the splice consensus sequence, and it has been identified in 0.2% (44/19 532) of African chromosomes by the Genome Aggregation Database (gnomAD; dbSNP rs114645388).

PreventionGenetics, part of Exact Sciences
Classification: Likely benign for CEACAM16-related condition. Last evaluated: 2019-12-10. Review status: no assertion criteria provided. Collection method: clinical testing. Allele origin: germline. Not counted in ClinVar's aggregate classification.
Comment: This variant is classified as likely benign based on ACMG/AMP sequence variant interpretation guidelines (Richards et al. 2015 PMID: 25741868, with internal and published modifications).